The following is an entry in ClinVar:

NM_006767.4(LZTR1):c.1307del (p.Leu436fs)

Gene: LZTR1 (leucine zipper like post translational regulator 1; plus strand). Cytogenetic location: 22q11.21.
Variant type: Deletion.
Coding change: c.1307del on transcript NM_006767.4 (MANE Select); coding-DNA position 1307, one base deleted (T; older notation c.1307delT).
Protein change: p.Leu436fs; shifts the reading frame from leucine 436.
Molecular consequence: frameshift variant.
Genome position (GRCh38, 1-based): chr22:20,993,708, T deleted. VCF-style (leftmost placement, unchanged base first): chr22-20993707-CT-C. GRCh37 (hg19) VCF-style: chr22-21347996-CT-C.
Other names: short protein forms L436fs.
Identifiers: ClinVar variation 5023797 (VCV005023797.1).
Genomic context (GRCh38, chr22:20,993,707, plus strand): 5'-GGGCCCCTCTTGCAGTTCTCCTGTTACCCTAAATGCACGCTGCACGAGGACTACGGGCGG[CT>C]GTGGGAGAGCCGCCAGTTCTGCGACGTGGAGTTCGTGCTGGGTGAGGTGGGTGCCTGTCC-3'

ClinVar aggregate classification (germline): Pathogenic (1 of 4 stars; one submission).

Conditions:
Cardiovascular phenotype. Identifiers: MedGen CN230736.
Hereditary cancer-predisposing syndrome. Also called: Neoplastic Syndromes, Hereditary; Tumor predisposition; Hereditary neoplastic syndrome; Hereditary Cancer Syndrome. Identifiers: Orphanet 140162, MedGen C0027672, MeSH D009386, MONDO:0015356.

Submission:

Ambry Genetics
Classification: Pathogenic for Cardiovascular phenotype; Hereditary cancer-predisposing syndrome. Last evaluated: 2026-09-08. Review status: criteria provided, single submitter. Criteria: Ambry Variant Classification Scheme 2023. Collection method: clinical testing. Allele origin: germline.
Comment: The c.1307delT variant, located in coding exon 12 of the LZTR1 gene, results from a deletion of one nucleotide at nucleotide position 1307, causing a translational frameshift with a predicted alternate stop codon (p.L436Rfs*25). This variant is considered to be rare based on population cohorts in the Genome Aggregation Database (gnomAD). This alteration is expected to result in loss of function by premature protein truncation or nonsense-mediated mRNA decay. Loss-of-function variants in LZTR1 are related to an increased risk for schwannomas and autosomal recessive Noonan syndrome; however, such associations with autosomal dominant Noonan syndrome have not been observed (Piotrowski A et al. Nat Genet. 2014 Feb;46:182-7; Yamamoto GL et al. J Med Genet. 2015 Jun;52:413-21; Johnston JJ et al. Genet Med. 2018 10;20:1175-1185). Based on the supporting evidence, this variant is pathogenic for an increased risk of LZTR1-related schwannomatosis (SWN) and would be expected to cause autosomal recessive Noonan syndrome when present along with a second pathogenic or likely pathogenic variant on the other allele; however, the association of this variant with autosomal dominant Noonan syndrome is unclear.